The following is an entry in ClinVar:

NM_000514.4(GDNF):c.540A>G (p.Arg180=)

Gene: GDNF (glial cell derived neurotrophic factor; minus strand). Cytogenetic location: 5p13.2.
Variant type: single nucleotide variant.
Coding change: c.540A>G on transcript NM_000514.4 (MANE Select); coding-DNA position 540, A replaced by G.
Protein change: p.Arg180=; no amino-acid change (arginine 180 retained).
Molecular consequence: synonymous variant.
Genome position (GRCh38, 1-based): chr5:37,815,747, T>C on the plus strand (A>G on the coding strand, the complement: GDNF is on the minus strand). VCF-style: chr5-37815747-T-C. GRCh37 (hg19) VCF-style: chr5-37815849-T-C.
Other names: c.591A>G, p.Arg197= (NM_001190468.1); c.513A>G, p.Arg171= (NM_001190469.1); c.384A>G, p.Arg128= (NM_001278098.1); c.462A>G, p.Arg154= (NM_199231.2).
Identifiers: ClinVar variation 196280 (VCV000196280.15), dbSNP rs112417561, ClinGen allele CA202255.

ClinVar aggregate classification (germline): Benign/Likely benign. Review status: criteria provided, multiple submitters, no conflicts (2 of 4 stars). 6 submissions from 6 submitters: Benign (5); Likely benign (1). Last evaluated 2024-09-02.

Conditions:
Hirschsprung disease, susceptibility to, 3. Identifiers: Orphanet 388, MedGen C3150974, MONDO:0013383, OMIM 613711.

Allele frequency attached by ClinVar (database versions not stated): ExAC 0.00100; 1000 Genomes Project 0.00240; 1000 Genomes Project 30x 0.00265; gnomAD 0.00312 and 0.00329; ESP Exome Variant Server 0.00338; TOPMed 0.00376; gnomAD exomes 0.00032 and 0.00080.
gnomAD v4.1: 961 of 1,613,998 alleles (0.06%); highest among the groups gnomAD compares: African/African-American, 1.1%; 4 homozygotes.

Submissions (6):

Blueprint Genetics
Classification: Likely benign. Last evaluated: 2024-09-02. Review status: criteria provided, single submitter. Criteria: ACMG Guidelines, 2015. Collection method: clinical testing. Allele origin: germline.

Fulgent Genetics
Classification: Benign for Hirschsprung disease, susceptibility to, 3. Last evaluated: 2021-07-26. Review status: criteria provided, single submitter. Criteria: ACMG Guidelines, 2015. Collection method: clinical testing. Allele origin: unknown.

Labcorp Genetics (formerly Invitae), Labcorp
Classification: Benign. Last evaluated: 2018-12-26. Review status: criteria provided, single submitter. Criteria: Invitae Variant Classification Sherloc (09022015). Collection method: clinical testing. Allele origin: germline.

Illumina Laboratory Services, Illumina
Classification: Benign for Hirschsprung disease, susceptibility to, 3. Last evaluated: 2018-01-13. Review status: criteria provided, single submitter. Criteria: ICSL Variant Classification Criteria 13 December 2019. Collection method: clinical testing. Allele origin: germline.
Comment: This variant was observed in the ICSL laboratory as part of a predisposition screen in an ostensibly healthy population. It had not been previously curated by ICSL or reported in the Human Gene Mutation Database (HGMD: prior to June 1st, 2018), and was therefore a candidate for classification through an automated scoring system. Utilizing variant allele frequency, disease prevalence and penetrance estimates, and inheritance mode, an automated score was calculated to assess if this variant is too frequent to cause the disease. Based on the score and internal cut-off values, a variant classified as benign is not then subjected to further curation. The score for this variant resulted in a classification of benign for this disease.

Eurofins Ntd Llc (ga)
Classification: Benign. Last evaluated: 2014-10-23. Review status: criteria provided, single submitter. Criteria: EGL Classification Definitions 2015. Collection method: clinical testing. Allele origin: germline.

Breakthrough Genomics
Classification: Benign. Review status: criteria provided, single submitter. Criteria: ACMG Guidelines, 2015. Collection method: not provided. Allele origin: germline. Inheritance: Autosomal dominant inheritance. Affected: yes.